The following is an entry in ClinVar:

NM_014391.3(ANKRD1):c.346-25_346-12del

Gene: ANKRD1 (ankyrin repeat domain 1; minus strand). Cytogenetic location: 10q23.31.
Variant type: Deletion.
Coding change: c.346-25_346-12del on transcript NM_014391.3 (MANE Select); 25 bases into the intron before coding-DNA position 346 through 12 bases into the intron before coding-DNA position 346, 14 bases deleted (ATATATTTATTTAT).
Molecular consequence: intron variant.
Genome position (GRCh38, 1-based): chr10:90,918,984-90,918,997, ATAAATAAATATAT deleted on the plus strand (ATATATTTATTTAT on the coding strand, the reverse complement: ANKRD1 is on the minus strand); deleting any 14 consecutive bases within chr10:90,918,984-90,919,000 gives the same sequence; the c. name uses the placement nearest the transcript's 3' end. VCF-style (leftmost placement, unchanged base first): chr10-90918983-AATAAATAAATATAT-A. GRCh37 (hg19) VCF-style: chr10-92678740-AATAAATAAATATAT-A.
Other names: c.346-25_346-12del14 (NM_014391.2).
Identifiers: ClinVar variation 1555094 (VCV001555094.9), dbSNP rs1379575944, ClinGen allele CA595185718.

ClinVar aggregate classification (germline): Likely benign. Review status: criteria provided, multiple submitters, no conflicts (2 of 4 stars). 2 submissions from 2 submitters: Likely benign (2). Last evaluated 2026-01-09.

Conditions:
ANKRD1-related disorder. Also called: ANKRD1-related condition.
ANKRD1-related dilated cardiomyopathy. Identifiers: MedGen CN119551.

Submissions (2):

Labcorp Genetics (formerly Invitae), Labcorp
Classification: Likely benign for ANKRD1-related dilated cardiomyopathy. Last evaluated: 2026-01-09. Review status: criteria provided, single submitter. Criteria: Invitae Variant Classification Sherloc (09022015). Collection method: clinical testing. Allele origin: germline.

PreventionGenetics, part of Exact Sciences
Classification: Likely benign for ANKRD1-related condition. Last evaluated: 2025-10-09. Review status: criteria provided, single submitter. Criteria: ACMG Guidelines, 2015. Collection method: clinical testing. Allele origin: germline.
Comment: This variant is classified as likely benign based on ACMG/AMP sequence variant interpretation guidelines (Richards et al. 2015 PMID: 25741868, with internal and published modifications).